The following is an entry in ClinVar:

ClinVar aggregate classification (germline): Conflicting classifications of pathogenicity. Review status: criteria provided, conflicting classifications (1 of 4 stars). 12 submissions from 12 submitters: Uncertain significance (3); Benign (2); Likely benign (3). 4 of the submissions do not count toward it. Last evaluated 2026-01-05.

Conditions:
RBM20-related disorder. Also called: RBM20-related condition.
Cardiovascular phenotype. Identifiers: MedGen CN230736.
Cardiomyopathy (CMYO). Also called: Cardiomyopathies. Identifiers: Orphanet 167848, MedGen C0878544, MONDO:0004994, HP:0001638. Inheritance: Various modes of inheritance.
Conduction disorder of the heart. Also called: Cardiac conduction defect. Identifiers: Orphanet 871, MedGen C0264886, MONDO:0100042, OMIM 115080.
Dilated cardiomyopathy 1DD (CMD1DD). Identifiers: Orphanet 154, MedGen C2750995, MONDO:0013168, OMIM 613172.

Allele frequency attached by ClinVar (database versions not stated): TOPMed 0.00007; gnomAD 0.00008 and 0.00005; ExAC 0.00009; gnomAD exomes 0.00020 and 0.00003; 1000 Genomes Project 30x 0.00031; 1000 Genomes Project 0.00040.
gnomAD v4.1: 67 of 1,550,506 alleles (0.0043%); highest among the groups gnomAD compares: East Asian, 0.083%; no homozygotes.

Submissions (12):

Labcorp Genetics (formerly Invitae), Labcorp
Classification: Likely benign for Dilated cardiomyopathy 1DD. Last evaluated: 2026-01-05. Review status: criteria provided, single submitter. Criteria: Invitae Variant Classification Sherloc (09022015). Collection method: clinical testing. Allele origin: germline.

Ambry Genetics
Classification: Benign for Cardiovascular phenotype. Last evaluated: 2025-08-26. Review status: criteria provided, single submitter. Criteria: Ambry Variant Classification Scheme 2023. Collection method: clinical testing. Allele origin: germline.

CHEO Genetics Diagnostic Laboratory, Children's Hospital of Eastern Ontario
Classification: Benign for Cardiomyopathy. Last evaluated: 2022-10-28. Review status: criteria provided, single submitter. Criteria: ACMG Guidelines, 2015. Collection method: clinical testing. Allele origin: germline.

Blueprint Genetics
Classification: Likely benign. Last evaluated: 2020-02-25. Review status: criteria provided, single submitter. Criteria: ACMG Guidelines, 2015. Collection method: clinical testing. Allele origin: germline.

Molecular Diagnostic Laboratory for Inherited Cardiovascular Disease, Montreal Heart Institute
Classification: Uncertain significance for Conduction disorder of the heart. Last evaluated: 2019-11-11. Review status: criteria provided, single submitter. Criteria: ACMG Guidelines, 2015. Collection method: clinical testing. Allele origin: germline. Affected: yes.

GeneDx
Classification: Likely benign. Last evaluated: 2019-05-24. Review status: criteria provided, single submitter. Criteria: GeneDx Variant Classification Process June 2021. Collection method: clinical testing. Allele origin: germline. Affected: yes.
Comment: This variant is associated with the following publications: (PMID: 28087566)

Illumina Laboratory Services, Illumina
Classification: Uncertain significance for Dilated cardiomyopathy 1DD. Last evaluated: 2018-01-13. Review status: criteria provided, single submitter. Criteria: ICSL Variant Classification Criteria 13 December 2019. Collection method: clinical testing. Allele origin: germline.

Laboratory for Molecular Medicine, Mass General Brigham Personalized Medicine
Classification: Uncertain significance. Last evaluated: 2015-03-16. Review status: criteria provided, single submitter. Criteria: LMM Criteria. Collection method: clinical testing. Allele origin: germline. Observed: 2 variant alleles.
Comment: The p.Phe510Ser variant in RBM20 has not been previously reported in individuals with cardiomyopathy, but has been identified in 1/7662 South Asian and 1/622 Ea st Asian chromosomes by the Exome Aggregation Consortium (ExAC; dbSNP rs372567331). Computational prediction tools and conservat ion analysis do not provide strong support for or against an impact to the prote in. In summary, the clinical significance of the p.Phe510Ser variant is uncertai n.

PreventionGenetics, part of Exact Sciences
Classification: Likely benign for RBM20-related condition. Last evaluated: 2023-07-13. Review status: no assertion criteria provided. Collection method: clinical testing. Allele origin: germline. Not counted in ClinVar's aggregate classification.
Comment: This variant is classified as likely benign based on ACMG/AMP sequence variant interpretation guidelines (Richards et al. 2015 PMID: 25741868, with internal and published modifications).

Clinical Genetics, Academic Medical Center
Classification: Likely benign. Review status: no assertion criteria provided. Collection method: clinical testing. Allele origin: germline. Affected: yes. Study: VKGL Data-share Consensus. Not counted in ClinVar's aggregate classification.

Diagnostic Laboratory, Department of Genetics, University Medical Center Groningen
Classification: Likely benign. Review status: no assertion criteria provided. Collection method: clinical testing. Allele origin: germline. Affected: yes. Study: VKGL Data-share Consensus. Not counted in ClinVar's aggregate classification.

Joint Genome Diagnostic Labs from Nijmegen and Maastricht, Radboudumc and MUMC+
Classification: Likely benign. Review status: no assertion criteria provided. Collection method: clinical testing. Allele origin: germline. Affected: yes. Study: VKGL Data-share Consensus. Not counted in ClinVar's aggregate classification.

NM_001134363.3(RBM20):c.1529T>C (p.Phe510Ser)

Gene: RBM20 (RNA binding motif protein 20; plus strand). Cytogenetic location: 10q25.2.
Variant type: single nucleotide variant.
Coding change: c.1529T>C on transcript NM_001134363.3 (MANE Select); coding-DNA position 1529, T replaced by C.
Protein change: p.Phe510Ser; replaces phenylalanine 510 with serine.
Molecular consequence: missense variant.
Genome position (GRCh38, 1-based): chr10:110,797,509, T>C. VCF-style: chr10-110797509-T-C. GRCh37 (hg19) VCF-style: chr10-112557267-T-C.
Other names: short protein forms F510S.
Identifiers: ClinVar variation 229186 (VCV000229186.35), dbSNP rs372567331, ClinGen allele CA5688614.